The following is an entry in ClinVar:

ClinVar aggregate classification (germline): Pathogenic (1 of 4 stars; one submission).

Conditions:
Fanconi anemia complementation group J. Also called: BRIP1-Related Fanconi Anemia. Identifiers: Orphanet 84, MedGen C1836860, MONDO:0012187, OMIM 609054.
Familial cancer of breast. Also called: hereditary breast carcinoma; BREAST CANCER, FAMILIAL; Hereditary breast cancer. Identifiers: Orphanet 227535, MedGen C0346153, MONDO:0016419, OMIM 114480. Disease mechanism: loss of function.

Submission:

Labcorp Genetics (formerly Invitae), Labcorp
Classification: Pathogenic for Familial cancer of breast; Fanconi anemia complementation group J. Last evaluated: 2019-07-09. Review status: criteria provided, single submitter. Criteria: Invitae Variant Classification Sherloc (09022015). Collection method: clinical testing. Allele origin: germline.
Comment: For these reasons, this variant has been classified as Pathogenic. Loss-of-function variants in BRIP1 are known to be pathogenic (PMID: 16116423, 17033622, 21964575). This variant has not been reported in the literature in individuals with BRIP1-related conditions. This variant is an out-of-frame deletion of the genomic region encompassing exons 8-9 of the BRIP1 gene. This is expected to create a premature translational stop signal and result in an absent or disrupted protein product.

Literature cited by the submitters: PubMed 16116423; PubMed 17033622; PubMed 21964575.

NC_000017.11:g.(?_61799090)_(61801484_?)del

Gene: BRIP1 (BRCA1 interacting DNA helicase 1; minus strand). Cytogenetic location: 17q23.2.
Variant type: Deletion.
Identifiers: ClinVar variation 831370 (VCV000831370.4).